The following is an entry in ClinVar:

NM_017617.5(NOTCH1):c.1393G>A (p.Ala465Thr)

Gene: NOTCH1 (notch receptor 1; minus strand). Cytogenetic location: 9q34.3.
Variant type: single nucleotide variant.
Coding change: c.1393G>A on transcript NM_017617.5 (MANE Select); coding-DNA position 1393, G replaced by A.
Protein change: p.Ala465Thr; replaces alanine 465 with threonine.
Molecular consequence: missense variant.
Genome position (GRCh38, 1-based): chr9:136,517,800, C>T on the plus strand (G>A on the coding strand, the complement: NOTCH1 is on the minus strand). VCF-style: chr9-136517800-C-T. GRCh37 (hg19) VCF-style: chr9-139412252-C-T.
Other names: c.1393G>A, p.Ala465Thr (LRG_1122t1); short protein forms A465T.
Identifiers: ClinVar variation 390565 (VCV000390565.6), dbSNP rs1057523819, ClinGen allele CA16605792.

ClinVar aggregate classification (germline): Conflicting classifications of pathogenicity. Review status: criteria provided, conflicting classifications (1 of 4 stars). 4 submissions from 4 submitters: Likely pathogenic (2); Uncertain significance (2). Last evaluated 2026-03-06.
ClinVar aggregate classification (somatic clinical impact): Tier II - Potential (1 of 4 stars; one submission).

Conditions:
NOTCH1-related disorder. Also called: NOTCH1-related disorders; NOTCH1-related condition.
Adams-Oliver syndrome 5 (AOS5). Identifiers: Orphanet 974, MedGen C4014970, MONDO:0014459, OMIM 616028.
Familial thoracic aortic aneurysm and aortic dissection (TAAD). Also called: Thoracic aortic aneurysms and dissections. Identifiers: Orphanet 91387, MedGen C4707243, MONDO:0019625.
Diffuse midline glioma, H3 K27M-mutant. Identifiers: MedGen C4289688, MONDO:0957196.

Submissions (5):

PreventionGenetics, part of Exact Sciences
Classification: Uncertain significance for NOTCH1-related condition. Last evaluated: 2026-03-06. Review status: criteria provided, single submitter. Criteria: ACMG Guidelines, 2015. Collection method: clinical testing. Allele origin: germline.
Comment: The NOTCH1 c.1393G>A variant is predicted to result in the amino acid substitution p.Ala465Thr. This variant has been reported in an individual with Adams-Oliver syndrome (Meester et al. 2018. PubMed ID: 29924900). This variant has not been reported in a large population database (gnomAD), indicating this variant is rare. Although we suspect that this variant may be pathogenic, at this time, the clinical significance of this variant is uncertain due to the absence of conclusive functional and genetic evidence.

Ambry Genetics
Classification: Uncertain significance for Familial thoracic aortic aneurysm and aortic dissection. Last evaluated: 2025-07-29. Review status: criteria provided, single submitter. Criteria: Ambry Variant Classification Scheme 2023. Collection method: clinical testing. Allele origin: germline.
Comment: The p.A465T variant (also known as c.1393G>A), located in coding exon 8 of the NOTCH1 gene, results from a G to A substitution at nucleotide position 1393. The alanine at codon 465 is replaced by threonine, an amino acid with similar properties. This variant was reported in an individual in a Adams-Oliver syndrome cohort (Meester JAN et al. Hum Mutat, 2018 Sep;39:1246-1261). This amino acid position is highly conserved in available vertebrate species. In addition, this alteration is predicted to be deleterious by in silico analysis. Based on the available evidence, the clinical significance of this variant remains unclear.

Institute for Genomic Medicine (IGM) Clinical Laboratory, Nationwide Children's Hospital
Classification: Tier II - Potential for Diffuse midline glioma, H3 K27M-mutant. Assertion type: diagnostic. Clinical significance: supports diagnosis. Last evaluated: 2024-06-27. Review status: criteria provided, single submitter. Criteria: AMP/ASCO/CAP Guidelines, 2017. Collection method: clinical testing. Allele origin: somatic. Affected: yes.
Comment: Variant has Tier II (potential) clinical significance as a diagnostic inclusion criterion in diffuse midline glioma, H3 K27M-mutant, based on the following evidence: 1) Documented in one or more cancer databases (e.g., St. Jude Pecan, COSMIC, CIViC, OncoKB). 2) Information in the literature supports potential biologic effect of variant (PMID: 36265581). 3) Assists in diagnosis alone or along with other biomarkers based on small studies or few case reports (Evidence Level D; PMIDs: 24140581, 25642631, 22006338).

Centre of Medical Genetics, University of Antwerp
Classification: Likely pathogenic for Adams-Oliver syndrome 5. Last evaluated: 2017-12-01. Review status: criteria provided, single submitter. Criteria: Criteria for classifying variants, Center of Medical Genetics Antwerp, 2018. Collection method: research. Allele origin: unknown. Affected: yes.

GeneDx
Classification: Likely pathogenic. Last evaluated: 2016-10-26. Review status: criteria provided, single submitter. Criteria: GeneDx Variant Classification (06012015). Collection method: clinical testing. Allele origin: germline. Affected: yes.
Comment: The A465T variant in the NOTCH1 gene has not been reported previously as a pathogenic variant, nor as a benign variant, to our knowledge. The A465T variant was not observed in approximately 6400 individuals of European and African American ancestry in the NHLBI Exome Sequencing Project, indicating it is not a common benign variant in these populations. The A465T variant is a non-conservative amino acid substitution, which is likely to impact secondary protein structure as these residues differ in polarity, charge, size and/or other properties. This substitution occurs at a position that is conserved across species. In silico analysis predicts this variant is probably damaging to the protein structure/function. The A465T variant is a strong candidate for a pathogenic variant.

Literature cited by the submitters: PubMed 29924900 (cited by Ambry Genetics and Centre of Medical Genetics, University of Antwerp); PubMed 36265581 (cited by Institute for Genomic Medicine (IGM) Clinical Laboratory, Nationwide Children's Hospital); PubMed 24140581 (cited by Institute for Genomic Medicine (IGM) Clinical Laboratory, Nationwide Children's Hospital); PubMed 25642631 (cited by Institute for Genomic Medicine (IGM) Clinical Laboratory, Nationwide Children's Hospital); PubMed 22006338 (cited by Institute for Genomic Medicine (IGM) Clinical Laboratory, Nationwide Children's Hospital).